The following is an entry in ClinVar:

ClinVar aggregate classification (germline): Uncertain significance (1 of 4 stars; one submission).

Conditions:
Aicardi-Goutieres syndrome 7 (AGS7). Identifiers: Orphanet 51, MedGen C3888244, MONDO:0014367, OMIM 615846.
Singleton-Merten syndrome 1 (SGMRT1). Also called: Widened medullary cavities of bone, aortic calcification, abnormal dentition, and muscular weakness; Syndrome of widened medullary cavities of the metacarpals and phalanges, aortic calcification and abnormal dentition. Identifiers: Orphanet 85191, MedGen C4225427, MONDO:0024535, OMIM 182250.

Submission:

Labcorp Genetics (formerly Invitae), Labcorp
Classification: Uncertain significance for Aicardi-Goutieres syndrome 7; Singleton-Merten syndrome 1. Last evaluated: 2025-08-21. Review status: criteria provided, single submitter. Criteria: Invitae Variant Classification Sherloc (09022015). Collection method: clinical testing. Allele origin: germline.
Comment: This sequence change replaces isoleucine, which is neutral and non-polar, with valine, which is neutral and non-polar, at codon 805 of the IFIH1 protein (p.Ile805Val). This variant is not present in population databases (gnomAD no frequency). This variant has not been reported in the literature in individuals affected with IFIH1-related conditions. ClinVar contains an entry for this variant (Variation ID: 2941562). Invitae Evidence Modeling of protein sequence and biophysical properties (such as structural, functional, and spatial information, amino acid conservation, physicochemical variation, residue mobility, and thermodynamic stability) has been performed for this missense variant. However, the output from this modeling did not meet the statistical confidence thresholds required to predict the impact of this variant on IFIH1 protein function. In summary, the available evidence is currently insufficient to determine the role of this variant in disease. Therefore, it has been classified as a Variant of Uncertain Significance.

NM_022168.4(IFIH1):c.2413A>G (p.Ile805Val)

Gene: IFIH1 (interferon induced with helicase C domain 1; minus strand). Cytogenetic location: 2q24.2.
Variant type: single nucleotide variant.
Coding change: c.2413A>G on transcript NM_022168.4 (MANE Select); coding-DNA position 2413, A replaced by G.
Protein change: p.Ile805Val; replaces isoleucine 805 with valine.
Molecular consequence: missense variant.
Genome position (GRCh38, 1-based): chr2:162,273,836, T>C on the plus strand (A>G on the coding strand, the complement: IFIH1 is on the minus strand). VCF-style: chr2-162273836-T-C. GRCh37 (hg19) VCF-style: chr2-163130346-T-C.
Other names: short protein forms I805V.
Identifiers: ClinVar variation 2941562 (VCV002941562.3), dbSNP rs1691095136, ClinGen allele CA348995820.
Genomic context (GRCh38, chr2:162,273,836, plus strand): 5'-TAGAGGTATTTGAATGTACCTGGACCATGGCTATTTCATTGGTGACGAGACCATAACGGA[T>C]AACAATGTTACATTCTTTAATATCCAGACCTTCTTCTGCCACTGTGGTAGCGATAAGCAG-3'
Protein context (NP_071451.2, residues 795-815): GLDIKECNIV[Ile805Val]RYGLVTNEIA